The following is an entry in ClinVar:

NM_000135.4(FANCA):c.1114G>C (p.Val372Leu)

Gene: FANCA (FA complementation group A; minus strand). Cytogenetic location: 16q24.3.
Variant type: single nucleotide variant.
Coding change: c.1114G>C on transcript NM_000135.4 (MANE Select); coding-DNA position 1114, G replaced by C.
Protein change: p.Val372Leu; replaces valine 372 with leucine.
Molecular consequence: missense variant.
Genome position (GRCh38, 1-based): chr16:89,792,038, C>G on the plus strand (G>C on the coding strand, the complement: FANCA is on the minus strand). VCF-style: chr16-89792038-C-G. GRCh37 (hg19) VCF-style: chr16-89858446-C-G.
Other names: c.1114G>C, p.Val372Leu (NM_001286167.3); short protein forms V372L.
Identifiers: ClinVar variation 3848051 (VCV003848051.2).

ClinVar aggregate classification (germline): Uncertain significance. Review status: criteria provided, multiple submitters, no conflicts (2 of 4 stars). 2 submissions from 2 submitters: Uncertain significance (2). Last evaluated 2026-02-17.

Conditions:
Inborn genetic diseases. Identifiers: MedGen C0950123, MeSH D030342.
FANCA-related disorder. Also called: FANCA-related condition.

gnomAD v4.1: 3 of 1,614,184 alleles (0.00019%); highest among the groups gnomAD compares: Non-Finnish European, 0.00025%; no homozygotes.

Submissions (2):

PreventionGenetics, part of Exact Sciences
Classification: Uncertain significance for FANCA-related condition. Last evaluated: 2026-02-17. Review status: criteria provided, single submitter. Criteria: ACMG Guidelines, 2015. Collection method: clinical testing. Allele origin: germline.
Comment: The FANCA c.1114G>C variant is predicted to result in the amino acid substitution p.Val372Leu. To our knowledge, this variant has not been reported in the literature or in a large population database (gnomAD), indicating this variant is rare. At this time, the clinical significance of this variant is uncertain due to the absence of conclusive functional and genetic evidence.

Ambry Genetics
Classification: Uncertain significance for Inborn genetic diseases. Last evaluated: 2024-12-22. Review status: criteria provided, single submitter. Criteria: Ambry Variant Classification Scheme 2023. Collection method: clinical testing. Allele origin: germline.
Comment: The p.V372L variant (also known as c.1114G>C), located in coding exon 13 of the FANCA gene, results from a G to C substitution at nucleotide position 1114. The valine at codon 372 is replaced by leucine, an amino acid with highly similar properties. This amino acid position is conserved. In addition, this alteration is predicted to be tolerated by in silico analysis. Based on the available evidence, the clinical significance of this variant remains unclear.